The following is an entry in ClinVar:

ClinVar aggregate classification (germline): Likely benign. Review status: reviewed by expert panel (3 of 4 stars). 2 submissions from 2 submitters: Likely benign (1). 1 of the submissions does not count toward it. Last evaluated 2025-02-28.

Conditions:
Monogenic diabetes. Identifiers: Orphanet 183625, MedGen C3888631, MONDO:0015967.

Allele frequency attached by ClinVar (database versions not stated): gnomAD 0.00001.

Submissions (2):

ClinGen Monogenic Diabetes Variant Curation Expert Panel
Classification: Likely benign for Monogenic diabetes. Last evaluated: 2025-02-28. Review status: reviewed by expert panel. Criteria: ClinGen Diabetes ACMG Specifications HNF1A V2.1.0. Collection method: curation. Allele origin: germline. Inheritance: Autosomal dominant inheritance.
Comment: The c.1505T>A variant in the HNF1 homeobox A gene, HNF1A, causes an amino acid change of leucine to histidine at codon 502 (p.(Leu502His)) of NM_000545.8. This variant is predicted to be deleterious by computational evidence, with a REVEL score of 0.8429, which is greater than the MDEP VCEP threshold of 0.70 (PP3) and is absent from gnomAD v2.1.1 (PM2_Supporting). This variant was identified in two unrelated individuals with non-autoimmune and non-absolute/near-absolute insulin-deficient diabetes; however, PS4_Moderate cannot be applied because this number is below the ClinGen MDEP threshold (internal lab contributors). The MODY probability for both individuals is unable to be calculated, and so PP4 cannot be applied (internal lab contributors). In one of these families, the variant did not segregate with diabetes (genotype negative, phenotype positive) (BS4, internal lab contributors). Another missense variant, c.1504C>G (p.Leu502Val), has been classified as a VUS by the ClinGen MDEP; therefore, PM5 will not be applied. In summary, c.1505T>A meets the criteria to be classified as likely benign for monogenic diabetes. ACMG/AMP criteria applied, as specified by the ClinGen MDEP (specification version 2.1.1, approved 8/11/2023): BS4, PP3, PM2_Supporting.

Labcorp Genetics (formerly Invitae), Labcorp
Classification: Uncertain significance. Last evaluated: 2022-05-04. Review status: criteria provided, single submitter. Criteria: Invitae Variant Classification Sherloc (09022015). Collection method: clinical testing. Allele origin: germline. Not counted in ClinVar's aggregate classification.
Comment: In summary, the available evidence is currently insufficient to determine the role of this variant in disease. Therefore, it has been classified as a Variant of Uncertain Significance. Advanced modeling of protein sequence and biophysical properties (such as structural, functional, and spatial information, amino acid conservation, physicochemical variation, residue mobility, and thermodynamic stability) performed at Invitae indicates that this missense variant is expected to disrupt HNF1A protein function. This variant has not been reported in the literature in individuals affected with HNF1A-related conditions. This variant is not present in population databases (gnomAD no frequency). This sequence change replaces leucine, which is neutral and non-polar, with histidine, which is basic and polar, at codon 502 of the HNF1A protein (p.Leu502His).

NM_000545.8(HNF1A):c.1505T>A (p.Leu502His)

Gene: HNF1A (HNF1 homeobox A; plus strand). Cytogenetic location: 12q24.31.
Variant type: single nucleotide variant.
Coding change: c.1505T>A on transcript NM_000545.8 (MANE Select); coding-DNA position 1505, T replaced by A.
Protein change: p.Leu502His; replaces leucine 502 with histidine.
Molecular consequence: missense variant.
Genome position (GRCh38, 1-based): chr12:120,999,271, T>A. VCF-style: chr12-120999271-T-A. GRCh37 (hg19) VCF-style: chr12-121437074-T-A.
Other names: NM_001306179.2:c.1505T>A; c.1505T>A, p.Leu502His (NM_001306179.2); short protein forms L502H.
Identifiers: ClinVar variation 1687088 (VCV001687088.8), dbSNP rs2135850526, ClinGen allele CA386971548.